The following is an entry in ClinVar:

ClinVar aggregate classification (germline): Uncertain significance (1 of 4 stars; one submission).

Conditions:
Glycogen storage disease due to muscle and heart glycogen synthase deficiency. Also called: GSD 0b; MUSCLE GLYCOGEN SYNTHASE DEFICIENCY. Identifiers: Orphanet 137625, MedGen C1969054, MONDO:0012693, OMIM 611556.

Allele frequency attached by ClinVar (database versions not stated): gnomAD 0.00001; TOPMed 0.00001.

Submission:

Labcorp Genetics (formerly Invitae), Labcorp
Classification: Uncertain significance for Glycogen storage disease due to muscle and heart glycogen synthase deficiency. Last evaluated: 2022-07-19. Review status: criteria provided, single submitter. Criteria: Invitae Variant Classification Sherloc (09022015). Collection method: clinical testing. Allele origin: germline.
Comment: This sequence change replaces proline, which is neutral and non-polar, with leucine, which is neutral and non-polar, at codon 516 of the GYS1 protein (p.Pro516Leu). This variant is not present in population databases (gnomAD no frequency). This variant has not been reported in the literature in individuals affected with GYS1-related conditions. ClinVar contains an entry for this variant (Variation ID: 1441923). Algorithms developed to predict the effect of missense changes on protein structure and function (SIFT, PolyPhen-2, Align-GVGD) all suggest that this variant is likely to be disruptive. In summary, the available evidence is currently insufficient to determine the role of this variant in disease. Therefore, it has been classified as a Variant of Uncertain Significance.

NM_002103.5(GYS1):c.1547C>T (p.Pro516Leu)

Gene: GYS1 (glycogen synthase 1; minus strand). Cytogenetic location: 19q13.33.
Variant type: single nucleotide variant.
Coding change: c.1547C>T on transcript NM_002103.5 (MANE Select); coding-DNA position 1547, C replaced by T.
Protein change: p.Pro516Leu; replaces proline 516 with leucine.
Molecular consequence: missense variant. On other transcripts: non-coding transcript variant (1).
Genome position (GRCh38, 1-based): chr19:48,974,215, G>A on the plus strand (C>T on the coding strand, the complement: GYS1 is on the minus strand). VCF-style: chr19-48974215-G-A. GRCh37 (hg19) VCF-style: chr19-49477472-G-A.
Other names: c.1355C>T, p.Pro452Leu (NM_001161587.2); short protein forms P452L, P516L.
Identifiers: ClinVar variation 1441923 (VCV001441923.4), dbSNP rs907999376, ClinGen allele CA309386857.